The following is an entry in ClinVar:

ClinVar aggregate classification (germline): Uncertain significance (1 of 4 stars; one submission).

Allele frequency attached by ClinVar (database versions not stated): gnomAD exomes 0.00001.
gnomAD v4.1: 10 of 1,613,968 alleles (0.00062%); highest among the groups gnomAD compares: Non-Finnish European, 0.00085%; no homozygotes.

Submission:

Ambry Genetics
Classification: Uncertain significance. Last evaluated: 2022-06-21. Review status: criteria provided, single submitter. Criteria: Ambry Variant Classification Scheme 2023. Collection method: clinical testing. Allele origin: germline.
Comment: The p.S1133C variant (also known as c.3397A>T), located in coding exon 17 of the NPAT gene, results from an A to T substitution at nucleotide position 3397. The serine at codon 1133 is replaced by cysteine, an amino acid with dissimilar properties. This amino acid position is conserved. In addition, this alteration is predicted to be tolerated by in silico analysis. Since supporting evidence is limited at this time, the clinical significance of this alteration remains unclear.

NM_002519.3(NPAT):c.3397A>T (p.Ser1133Cys)

Gene: NPAT (nuclear protein, coactivator of histone transcription; minus strand). Cytogenetic location: 11q22.3.
Variant type: single nucleotide variant.
Coding change: c.3397A>T on transcript NM_002519.3 (MANE Select); coding-DNA position 3397, A replaced by T.
Protein change: p.Ser1133Cys; replaces serine 1133 with cysteine.
Molecular consequence: missense variant.
Genome position (GRCh38, 1-based): chr11:108,161,689, T>A on the plus strand (A>T on the coding strand, the complement: NPAT is on the minus strand). VCF-style: chr11-108161689-T-A. GRCh37 (hg19) VCF-style: chr11-108032416-T-A.
Other names: c.3418A>T, p.Ser1140Cys (NM_001321307.1); short protein forms S1133C, S1140C.
Identifiers: ClinVar variation 1730952 (VCV001730952.2), dbSNP rs747211550, ClinGen allele CA228374009.